The following is an entry in ClinVar:

NM_001375462.1(LPP):c.465G>A (p.Ser155=)

Gene: LPP (LIM domain containing preferred translocation partner in lipoma; plus strand). Cytogenetic location: 3q28.
Variant type: single nucleotide variant.
Coding change: c.465G>A on transcript NM_001375462.1 (MANE Select); coding-DNA position 465, G replaced by A.
Protein change: p.Ser155=; no amino-acid change (serine 155 retained).
Molecular consequence: synonymous variant. On other transcripts: 5 prime UTR variant (2), non-coding transcript variant (1).
Genome position (GRCh38, 1-based): chr3:188,609,196, G>A. VCF-style: chr3-188609196-G-A. GRCh37 (hg19) VCF-style: chr3-188326984-G-A.
Other names: c.465G>A, p.Ser155= (NM_001375465.1, NM_001387663.1, NM_001387664.1 and 29 more transcripts); c.-25G>A (NM_001387675.1, NM_001387676.1).
Identifiers: ClinVar variation 2654351 (VCV002654351.24), dbSNP rs138963849, ClinGen allele CA2751177.
Genomic context (GRCh38, chr3:188,609,196, plus strand): 5'-TTCTTTTTTTTCCTATTCTTTTTAGAGCTCCACTGGTTCAACAGCCTCTCCTCCAGTTTC[G>A]ACCCCAGTCACAGGACACAAGAGAATGGTCATCCCGAACCAACCCCCTCTAACAGCAACC-3'
Protein context (NP_001362391.1, residues 145-165): STGSTASPPV[Ser155=]TPVTGHKRMV

ClinVar aggregate classification (germline): Likely benign (1 of 4 stars; one submission).

Allele frequency attached by ClinVar (database versions not stated): ESP Exome Variant Server 0.00015; 1000 Genomes Project 30x 0.00016; TOPMed 0.00018; 1000 Genomes Project 0.00020; ExAC 0.00022; gnomAD 0.00024.
gnomAD v4.1: 674 of 1,610,908 alleles (0.042%); highest among the groups gnomAD compares: South Asian, 0.12%; 1 homozygote.

Submission:

CeGaT Center for Human Genetics Tuebingen
Classification: Likely benign. Last evaluated: 2022-08-01. Review status: criteria provided, single submitter. Criteria: CeGaT Center For Human Genetics Tuebingen Variant Classification Criteria Version 2. Collection method: clinical testing. Allele origin: germline. Affected: yes. Observed: 1 variant allele.
Comment: LPP: BP4, BP7